The following is an entry in ClinVar:

NM_005188.4(CBL):c.1186T>C (p.Cys396Arg)

Gene: CBL (Cbl proto-oncogene; plus strand). Cytogenetic location: 11q23.3.
Variant type: single nucleotide variant.
Coding change: c.1186T>C on transcript NM_005188.4 (MANE Select); coding-DNA position 1186, T replaced by C.
Protein change: p.Cys396Arg; replaces cysteine 396 with arginine.
Molecular consequence: missense variant.
Genome position (GRCh38, 1-based): chr11:119,278,256, T>C. VCF-style: chr11-119278256-T-C. GRCh37 (hg19) VCF-style: chr11-119148966-T-C.
Other names: p.C396R:TGT>CGT; short protein forms C396R.
Identifiers: ClinVar variation 29823 (VCV000029823.6), dbSNP rs387906665, ClinGen allele CA128668.

ClinVar aggregate classification (germline): Conflicting classifications of pathogenicity. Review status: criteria provided, conflicting classifications (1 of 4 stars). 4 submissions from 4 submitters: Pathogenic (1); Likely pathogenic (1); Uncertain significance (1). 1 of the submissions does not count toward it. Last evaluated 2022-06-15.

Conditions:
CBL-related disorder. Also called: CBL MUTATION-ASSOCIATED SYNDROME; CBL SYNDROME; NOONAN SYNDROME-LIKE DISORDER WITHOUT JUVENILE MYELOMONOCYTIC LEUKEMIA. Identifiers: Orphanet 363972, MedGen C3150803, MONDO:0013308, OMIM 613563.
RASopathy. Also called: rasopathies; Noonan spectrum disorder. Identifiers: Orphanet 536391, MedGen C5555857, MONDO:0021060.
Noonan syndrome-like disorder with juvenile myelomonocytic leukemia. Identifiers: MedGen C4016301.

Allele frequency attached by ClinVar (database versions not stated): ExAC 0.00002.
gnomAD v4.1: 1 of 1,613,984 alleles (0.000062%); highest among the groups gnomAD compares: Non-Finnish European, 0.000085%; no homozygotes.

Submissions (4):

Labcorp Genetics (formerly Invitae), Labcorp
Classification: Uncertain significance for RASopathy. Last evaluated: 2022-06-15. Review status: criteria provided, single submitter. Criteria: Invitae Variant Classification Sherloc (09022015). Collection method: clinical testing. Allele origin: germline.
Comment: In summary, the available evidence is currently insufficient to determine the role of this variant in disease. Therefore, it has been classified as a Variant of Uncertain Significance. Advanced modeling of protein sequence and biophysical properties (such as structural, functional, and spatial information, amino acid conservation, physicochemical variation, residue mobility, and thermodynamic stability) performed at Invitae indicates that this missense variant is expected to disrupt CBL protein function. ClinVar contains an entry for this variant (Variation ID: 29823). This missense change has been observed in individual(s) with clinical features of CBL-related condtions (PMID: 20694012). This variant is present in population databases (rs387906665, gnomAD 0.0009%). This sequence change replaces cysteine, which is neutral and slightly polar, with arginine, which is basic and polar, at codon 396 of the CBL protein (p.Cys396Arg).

Blueprint Genetics
Classification: Likely pathogenic for CBL-related disorders. Last evaluated: 2019-09-15. Review status: criteria provided, single submitter. Criteria: ACMG Guidelines, 2015. Collection method: clinical testing. Allele origin: de novo. Affected: yes. Observed: 1 variant allele.

GeneDx
Classification: Pathogenic. Last evaluated: 2014-02-19. Review status: criteria provided, single submitter. Criteria: GeneDx Variant Classification (06012015). Collection method: clinical testing. Allele origin: germline. Affected: yes.
Comment: This variant is denoted p.Cys396Arg at the protein level, c.1186 T>C at the cDNA level and results in the change of a Cysteine for an Arginine (TGT>CGT) in exon 8 of the CBL gene (NM_005188.2). The C396R missense mutation has been reported previously as a homozygous mutation in a patient diagnosed with JMML (Loh et al.,2009). It is a non-conservative amino acid substitution, which is likely to impact secondary protein structure as these residues differ in polarity, charge, size and/or other properties. The C396R mutation was also not observed in approximately 6,500 individuals of European and African American ancestry in the NHLBI Exome Sequencing Project, indicating it is not a common benign variant in these populations. Missense mutations in nearby codons (D390Y, C396R, H398R, C404R, W408R) have been reported in association with Noonan-like syndrome and juvenile myelomonocytic leukemia (JMML). Therefore, we interpret C401R as a pathogenic mutation. This variant has been seen apparently mosaic and has been seen to co-occur with another definitive pathogenic mutation also apparently mosaic. The variant is found in JMML-NOON panel(s).

OMIM
Classification: Pathogenic for NOONAN SYNDROME-LIKE DISORDER WITH JUVENILE MYELOMONOCYTIC LEUKEMIA. Last evaluated: 2010-09-01. Review status: no assertion criteria provided. Collection method: literature only. Allele origin: germline. Not counted in ClinVar's aggregate classification.

Literature cited by the submitters: PubMed 20694012 (cited by Labcorp Genetics (formerly Invitae), Labcorp and OMIM).